The following is an entry in ClinVar:

ClinVar aggregate classification (germline): Uncertain significance (1 of 4 stars; one submission).

Conditions:
Cardiovascular phenotype. Identifiers: MedGen CN230736.

gnomAD v4.1: 2 of 1,614,104 alleles (0.00012%); highest among the groups gnomAD compares: Admixed American, 0.0033%; no homozygotes.

Submission:

Ambry Genetics
Classification: Uncertain significance for Cardiovascular phenotype. Last evaluated: 2026-08-29. Review status: criteria provided, single submitter. Criteria: Ambry Variant Classification Scheme 2023. Collection method: clinical testing. Allele origin: germline.
Comment: The p.M23T variant (also known as c.68T>C), located in coding exon 1 of the KCNE2 gene, results from a T to C substitution at nucleotide position 68. The methionine at codon 23 is replaced by threonine, an amino acid with similar properties. This amino acid position is conserved. In addition, this alteration is predicted to be deleterious by in silico analysis. Based on the available evidence, the clinical significance of this variant remains unclear.

NM_172201.2(KCNE2):c.68T>C (p.Met23Thr)

Genes: KCNE2 (potassium voltage-gated channel subfamily E regulatory subunit 2; plus strand), LOC105372791 (uncharacterized LOC105372791; minus strand). Cytogenetic location: 21q22.11.
Variant type: single nucleotide variant.
Coding change: c.68T>C on transcript NM_172201.2 (MANE Select); coding-DNA position 68, T replaced by C.
Protein change: p.Met23Thr; replaces methionine 23 with threonine.
Molecular consequence: missense variant. On other transcripts: non-coding transcript variant (2).
Genome position (GRCh38, 1-based): chr21:34,370,546, T>C. VCF-style: chr21-34370546-T-C. GRCh37 (hg19) VCF-style: chr21-35742845-T-C.
Other names: short protein forms M23T.
Identifiers: ClinVar variation 5022960 (VCV005022960.1).
Genomic context (GRCh38, chr21:34,370,546, plus strand): 5'-CTTTATCCAATTTCACACAGACGCTGGAAGACGTCTTCCGAAGGATTTTTATTACTTATA[T>C]GGACAATTGGCGCCAGAACACAACAGCTGAGCAAGAGGCCCTCCAAGCCAAAGTTGATGC-3'
Protein context (NP_751951.1, residues 13-33): DVFRRIFITY[Met23Thr]DNWRQNTTAE